The following is an entry in ClinVar:

ClinVar aggregate classification (germline): not provided (0 of 4 stars; one submission).

Conditions:
Normal pregnancy. Identifiers: MedGen C0232989.

Submission:

Institute of Molecular and Cell Biology, University of Tartu
No classification provided. Condition: Normal pregnancy. Review status: no classification provided. Collection method: case-control. Allele origin: unknown. Affected: yes. Study: Kasak2014.
Comment: The study aimed to determine the contribution of copy number variants in the genetic etiology of normal and complicated pregnancies. The samples represented (i) maternal blood DNA drawn from healthy pregnant women during 1st or 2nd trimester and (ii) maternal and paternal blood DNA drawn at term pregnancy cases representing normal and complicated gestations (severe preeclampsia, PE; gestational diabetes, GD; small-for-gestational age newborn, SGA; large-for-gestational age newborn, LGA). We performed CNV calling based on genome-wide genotyping dataset (Illumina HumanOmniExpress-24-v1 BeadChip) by applying three algorithms, QuantiSNP, GADA (Genome Alteration Detection Algorithm) and CNstream in parallel. The acquired CNV calls were merged with HD-CNV (Hotspot Detector for Copy Number Variants) program and only the CNVs predicted by at least two programs, were considered in subsequent analysis.

Literature cited by the submitters: PubMed 25666259.

NC_000011.10:g.18114096_18116607del

Variant type: Deletion.
Genome position: GRCh38: chr11:18,114,096-18,116,607. GRCh37 (hg19): chr11:18,135,643-18,138,154.
Identifiers: ClinVar variation 157196 (VCV000157196.3), ClinGen allele CA212290.